The following is an entry in ClinVar:

NM_000400.4(ERCC2):c.361-1G>A

Gene: ERCC2 (ERCC excision repair 2, TFIIH core complex helicase subunit; minus strand). Cytogenetic location: 19q13.32.
Variant type: single nucleotide variant.
Coding change: c.361-1G>A on transcript NM_000400.4 (MANE Select); the canonical splice acceptor site of the intron before coding-DNA position 361, G replaced by A.
Molecular consequence: splice acceptor variant.
Genome position (GRCh38, 1-based): chr19:45,365,159, C>T on the plus strand (G>A on the coding strand, the complement: ERCC2 is on the minus strand). VCF-style: chr19-45365159-C-T. GRCh37 (hg19) VCF-style: chr19-45868417-C-T.
Other names: NC_000019.9:g.45868417C>T; c.289-1G>A (NM_001130867.2); c.361-1G>A (NM_000400.3).
Identifiers: ClinVar variation 2675039 (VCV002675039.6), dbSNP rs773645934, ClinGen allele CA9513812.

ClinVar aggregate classification (germline): Pathogenic/Likely pathogenic. Review status: criteria provided, multiple submitters, no conflicts (2 of 4 stars). 5 submissions from 5 submitters: Pathogenic (3); Likely pathogenic (2). Last evaluated 2025-09-03.

Conditions:
ERCC2-related disorder. Also called: ERCC2-related conditions; ERCC2-related condition; ERCC2-related disorders. Identifiers: MedGen CN239291.
Cerebrooculofacioskeletal syndrome 2 (COFS2). Identifiers: MedGen C1853102, MONDO:0012553, OMIM 610756.
Xeroderma pigmentosum, group D (XPD). Also called: ERCC2-Related Xeroderma Pigmentosum; XERODERMA PIGMENTOSUM, COMPLEMENTATION GROUP D; XERODERMA PIGMENTOSUM IV; XP, GROUP D; XP, GROUP H. Identifiers: MedGen C0268138, MONDO:0010212, OMIM 278730.
Trichothiodystrophy 1, photosensitive (TTD1). Also called: TAY SYNDROME; TRICHOTHIODYSTROPHY WITH CONGENITAL ICHTHYOSIS; PIBIDS SYNDROME. Identifiers: Orphanet 33364, MedGen C1866504, MONDO:0011125, OMIM 601675.

Allele frequency attached by ClinVar (database versions not stated): TOPMed below 0.00001; gnomAD 0.00001; gnomAD exomes 0.00002; ExAC 0.00003.
gnomAD v4.1: 10 of 1,613,318 alleles (0.00062%); highest among the groups gnomAD compares: Non-Finnish European, 0.00059%; no homozygotes.

Submissions (6):

Clinical and Functional Genomics Group, A.C.Camargo Cancer Center
Classification: Likely pathogenic for Xeroderma pigmentosum, group D. Last evaluated: 2025-09-03. Review status: criteria provided, single submitter. Criteria: CFGG ACC Assertion Criteria V1. Collection method: research. Allele origin: germline. Affected: no.
Comment: The c.361-1G>A variant in the ERCC2 gene is expected to disrupt the splice acceptor site located in intron 5, generating an in-frame deletion of 39 amino acids that comprise exon 6. This exon includes part of the DEAD_2 domain, a conserved region found in RAD3-like DNA helicases involved in nucleotide excision repair (Pfam entry: PF06733). Skipping of exon 6 would result in the loss of approximately 21% of this domain. Loss-of-function is a mechanism of pathogenicity for ERCC2-related disorders (PMID: 9238033). To our knowledge, no functional studies have been performed to assess the impact of this variant on protein function. The variant is also reported in ClinVar (VCV002675039.3) in patients with Cerebrooculofacioskeletal Syndrome 2 and Xeroderma Pigmentosum group D (PMID:33733458) and in a patient with and osteosarcoma (PMID: 37536918). Based on the current evidence, this variant has been classified as Likely Pathogenic (PVS1_Strong, PM2_Supporting, PP4).

Myriad Genetics, Inc.
Classification: Likely pathogenic for ERCC2-related disorder. Last evaluated: 2025-03-27. Review status: criteria provided, single submitter. Criteria: Myriad Autosomal Dominant, Autosomal Recessive and X-Linked Classification Criteria (2023). Collection method: clinical testing. Allele origin: unknown.
Comment: NM_000400.3(ERCC2):c.361-1G>A is a variant in a canonical splice site classified as likely pathogenic in the context of ERCC2-related disorders. c.361-1G>A has been observed in cases with relevant disease (PMID: 9758621, 33733458). Relevant functional assessments of this variant are not available in the literature. c.361-1G>A has been observed in referenced population frequency databases. In summary, NM_000400.3(ERCC2):c.361-1G>A is a variant in a canonical splice site that has been observed more frequently in cases with the relevant disease than in healthy populations. Please note: this variant was assessed in the context of healthy population screening.

Fulgent Genetics
Classification: Pathogenic for Xeroderma pigmentosum, group D; Trichothiodystrophy 1, photosensitive; Cerebrooculofacioskeletal syndrome 2. Last evaluated: 2024-04-20. Review status: criteria provided, single submitter. Criteria: ACMG Guidelines, 2015. Collection method: clinical testing. Allele origin: germline.

Baylor Genetics
Classification: Pathogenic for Cerebrooculofacioskeletal syndrome 2. Last evaluated: 2023-09-01. Review status: criteria provided, single submitter. Criteria: ACMG Guidelines, 2015. Collection method: clinical testing. Allele origin: unknown.

Blueprint Genetics
Classification: Pathogenic for ERCC2-related disorders. Last evaluated: 2021-12-31. Review status: criteria provided, single submitter. Criteria: ACMG Guidelines, 2015. Collection method: clinical testing. Allele origin: germline. Affected: yes. Observed: 2 variant alleles.

Dr. Peter K. Rogan Lab, Western University
No classification provided (evidence only). Condition: Thyroid cancer, nonmedullary, 1. Review status: no classification provided. Collection method: in vitro. Allele origin: not applicable. Functional consequence: skipped exon. Not counted in ClinVar's aggregate classification.

Literature cited by the submitters: PubMed 37536918 (cited by Clinical and Functional Genomics Group, A.C.Camargo Cancer Center); PubMed 33733458 (cited by Clinical and Functional Genomics Group, A.C.Camargo Cancer Center and Myriad Genetics, Inc.); PubMed 9758621 (cited by Myriad Genetics, Inc.).